The following is an entry in ClinVar:

ClinVar aggregate classification (germline): Conflicting classifications of pathogenicity. Review status: criteria provided, conflicting classifications (1 of 4 stars). 2 submissions from 2 submitters: Uncertain significance (1); Likely benign (1). Last evaluated 2026-02-11.

Conditions:
Hereditary cancer-predisposing syndrome. Also called: Hereditary Cancer Syndrome; Neoplastic Syndromes, Hereditary; Tumor predisposition; Hereditary neoplastic syndrome. Identifiers: Orphanet 140162, MedGen C0027672, MeSH D009386, MONDO:0015356.
EGFR-related lung cancer (EGFR). Identifiers: MedGen CN130014.

gnomAD v4.1: 2 of 1,614,200 alleles (0.00012%); highest among the groups gnomAD compares: Admixed American, 0.0033%; no homozygotes.

Submissions (2):

Ambry Genetics
Classification: Likely benign for Hereditary cancer-predisposing syndrome. Last evaluated: 2026-02-11. Review status: criteria provided, single submitter. Criteria: Ambry Variant Classification Scheme 2023. Collection method: clinical testing. Allele origin: germline.

Labcorp Genetics (formerly Invitae), Labcorp
Classification: Uncertain significance for EGFR-related lung cancer. Last evaluated: 2024-10-21. Review status: criteria provided, single submitter. Criteria: Invitae Variant Classification Sherloc (09022015). Collection method: clinical testing. Allele origin: germline.
Comment: This sequence change replaces alanine, which is neutral and non-polar, with valine, which is neutral and non-polar, at codon 127 of the EGFR protein (p.Ala127Val). This variant is present in population databases (no rsID available, gnomAD 0.006%). This variant has not been reported in the literature in individuals affected with EGFR-related conditions. Invitae Evidence Modeling of protein sequence and biophysical properties (such as structural, functional, and spatial information, amino acid conservation, physicochemical variation, residue mobility, and thermodynamic stability) indicates that this missense variant is not expected to disrupt EGFR protein function with a negative predictive value of 80%. In summary, the available evidence is currently insufficient to determine the role of this variant in disease. Therefore, it has been classified as a Variant of Uncertain Significance.

NM_005228.5(EGFR):c.380C>T (p.Ala127Val)

Gene: EGFR (epidermal growth factor receptor; plus strand). Cytogenetic location: 7p11.2.
Variant type: single nucleotide variant.
Coding change: c.380C>T on transcript NM_005228.5 (MANE Select); coding-DNA position 380, C replaced by T.
Protein change: p.Ala127Val; replaces alanine 127 with valine.
Molecular consequence: missense variant. On other transcripts: intron variant (1).
Genome position (GRCh38, 1-based): chr7:55,143,444, C>T. VCF-style: chr7-55143444-C-T. GRCh37 (hg19) VCF-style: chr7-55211137-C-T.
Other names: c.380C>T, p.Ala127Val (NM_001346897.2, NM_001346898.2, NM_001346899.2 and 3 more transcripts); c.221C>T, p.Ala74Val (NM_001346900.2); c.89-12386C>T (NM_001346941.2); short protein forms A127V, A74V.
Identifiers: ClinVar variation 3684544 (VCV003684544.3).